The following is an entry in ClinVar:

NM_001371623.1(TCOF1):c.6_7insT (p.Glu3Ter)

Genes: TCOF1 (treacle ribosome biogenesis factor 1; plus strand), LOC129994985 (ATAC-STARR-seq lymphoblastoid silent region 16507; plus strand). Cytogenetic location: 5q32.
Variant type: Insertion.
Coding change: c.6_7insT on transcript NM_001371623.1 (MANE Select); coding-DNA positions 6 to 7, T inserted.
Protein change: p.Glu3Ter; replaces glutamic acid 3 with a stop codon.
Molecular consequence: nonsense.
Genome position: GRCh38 VCF-style: chr5-150357752-C-CT. GRCh37 (hg19) VCF-style: chr5-149737315-C-CT.
Other names: c.6_7insT, p.Glu3Ter (NM_000356.4, NM_001008657.3, NM_001135243.2 and 4 more transcripts); short protein forms E3*.
Identifiers: ClinVar variation 4997696 (VCV004997696.1).

ClinVar aggregate classification (germline): Likely pathogenic (1 of 4 stars; one submission).

Conditions:
TCOF1-related disorder. Also called: TCOF1-related condition.

Submission:

PreventionGenetics, part of Exact Sciences
Classification: Likely pathogenic for TCOF1-related condition. Last evaluated: 2025-07-31. Review status: criteria provided, single submitter. Criteria: ACMG Guidelines, 2015. Collection method: clinical testing. Allele origin: germline.
Comment: The TCOF1 c.6_7insT variant is predicted to result in premature protein termination (p.Glu3*). To our knowledge, this variant has not been reported in the literature or in a large population database (gnomAD), indicating this variant is rare. Nonsense variants in TCOF1 are expected to be pathogenic. This variant is interpreted as likely pathogenic.